The following is an entry in ClinVar:

ClinVar aggregate classification (germline): Pathogenic (1 of 4 stars; one submission).

Submission:

Labcorp Genetics (formerly Invitae), Labcorp
Classification: Pathogenic. Last evaluated: 2023-08-16. Review status: criteria provided, single submitter. Criteria: Invitae Variant Classification Sherloc (09022015). Collection method: clinical testing. Allele origin: germline.
Comment: This sequence change creates a premature translational stop signal (p.Gly124*) in the COL4A3 gene. It is expected to result in an absent or disrupted protein product. Loss-of-function variants in COL4A3 are known to be pathogenic (PMID: 8956999, 24854265, 26809805, 27281700). This variant is not present in population databases (gnomAD no frequency). This variant has not been reported in the literature in individuals affected with COL4A3-related conditions. For these reasons, this variant has been classified as Pathogenic.

Literature cited by the submitters: PubMed 8956999; PubMed 24854265; PubMed 26809805; PubMed 27281700.

NM_000091.5(COL4A3):c.370G>T (p.Gly124Ter)

Genes: COL4A3 (collagen type IV alpha 3 chain; plus strand), MFF-DT (MFF divergent transcript; minus strand). Cytogenetic location: 2q36.3.
Variant type: single nucleotide variant.
Coding change: c.370G>T on transcript NM_000091.5 (MANE Select); coding-DNA position 370, G replaced by T.
Protein change: p.Gly124Ter; replaces glycine 124 with a stop codon.
Molecular consequence: nonsense.
Genome position (GRCh38, 1-based): chr2:227,245,999, G>T. VCF-style: chr2-227245999-G-T. GRCh37 (hg19) VCF-style: chr2-228110715-G-T.
Other names: short protein forms G124*.
Identifiers: ClinVar variation 2751369 (VCV002751369.3), dbSNP rs2469502863, ClinGen allele CA350861700.